The following is an entry in ClinVar:

ClinVar aggregate classification (germline): Likely pathogenic (1 of 4 stars; one submission).

Conditions:
Wilson disease (WND). Also called: Wilson's disease. Identifiers: Orphanet 905, MedGen C0019202, MONDO:0010200, OMIM 277900. Disease mechanism: loss of function.

Submission:

Myriad Genetics, Inc.
Classification: Likely pathogenic for Wilson disease. Last evaluated: 2022-02-17. Review status: criteria provided, single submitter. Criteria: Myriad Women's Health Autosomal Recessive and X-Linked Classification Criteria (2021). Collection method: clinical testing. Allele origin: unknown.
Comment: NM_000053.3(ATP7B):c.2915_2916delTCinsA(F972Yfs*50) is expected to be pathogenic in the context of Wilson disease. This variant is predicted to lead to an abnormal or absent protein product due to the creation of a premature termination codon in ATP7B, a gene where loss-of-function variants are known to be pathogenic. Please note: this variant was assessed in the context of healthy population screening.

NM_000053.4(ATP7B):c.2915_2916delinsA (p.Phe972fs)

Gene: ATP7B (ATPase copper transporting beta; minus strand). Cytogenetic location: 13q14.3.
Variant type: Indel.
Coding change: c.2915_2916delinsA on transcript NM_000053.4 (MANE Select); coding-DNA positions 2915 to 2916, TC replaced by A.
Protein change: p.Phe972fs; shifts the reading frame from phenylalanine 972.
Molecular consequence: frameshift variant.
Genome position (GRCh38, 1-based): chr13:51,946,428-51,946,429, GA replaced by T on the plus strand (TC replaced by A on the coding strand, the reverse complement: ATP7B is on the minus strand). VCF-style: chr13-51946428-GA-T. GRCh37 (hg19) VCF-style: chr13-52520564-GA-T.
Other names: c.2294_2295delinsA, p.Phe765fs (NM_001005918.3); c.2582_2583delinsA, p.Phe861fs (NM_001243182.2); c.2681_2682delinsA, p.Phe894fs (NM_001330578.2); c.2663_2664delinsA, p.Phe888fs (NM_001330579.2); c.2915_2916delTCinsA, p.Phe972Tyrfs (NM_001406511.1, NM_001406512.1, NM_001406513.1 and 2 more transcripts); c.2882_2883delTCinsA, p.Phe961Tyrfs (NM_001406514.1); c.2861_2862delTCinsA, p.Phe954Tyrfs (NM_001406515.1, NM_001406516.1); c.2819_2820delTCinsA, p.Phe940Tyrfs (NM_001406517.1, NM_001406518.1); and 14 more; short protein forms F765fs, F861fs, F888fs, F894fs, F972fs.
Identifiers: ClinVar variation 1724471 (VCV001724471.2), dbSNP rs2547647636, ClinGen allele CA2580087668.